The following is an entry in ClinVar:

NM_001035.3(RYR2):c.7228C>A (p.His2410Asn)

Gene: RYR2 (ryanodine receptor 2; plus strand). Cytogenetic location: 1q43.
Variant type: single nucleotide variant.
Coding change: c.7228C>A on transcript NM_001035.3 (MANE Select); coding-DNA position 7228, C replaced by A.
Protein change: p.His2410Asn; replaces histidine 2410 with asparagine.
Molecular consequence: missense variant.
Genome position (GRCh38, 1-based): chr1:237,643,333, C>A. VCF-style: chr1-237643333-C-A. GRCh37 (hg19) VCF-style: chr1-237806633-C-A.
Other names: short protein forms H2410N.
Identifiers: ClinVar variation 4757984 (VCV004757984.1).

ClinVar aggregate classification (germline): Uncertain significance (1 of 4 stars; one submission).

Conditions:
Cardiomyopathy (CMYO). Also called: Cardiomyopathies. Identifiers: Orphanet 167848, MedGen C0878544, MONDO:0004994, HP:0001638. Inheritance: Various modes of inheritance.

gnomAD v4.1: 2 of 1,613,182 alleles (0.00012%); highest among the groups gnomAD compares: Non-Finnish European, 0.00017%; no homozygotes.

Submission:

Color Diagnostics, LLC DBA Color Health
Classification: Uncertain significance for Cardiomyopathy. Last evaluated: 2025-08-24. Review status: criteria provided, single submitter. Criteria: ACMG Guidelines, 2015. Collection method: clinical testing. Allele origin: germline.
Comment: This missense variant replaces histidine with asparagine at codon 2410 of the RYR2 protein. Computational prediction suggests that this variant may not impact protein structure and function. To our knowledge, functional studies have not been reported for this variant. This variant has not been reported in individuals affected with RYR2-related disorders in the literature. This variant has not been identified in the general population by the Genome Aggregation Database (gnomAD). The available evidence is insufficient to determine the role of this variant in disease conclusively. Therefore, this variant is classified as a Variant of Uncertain Significance.